The following is an entry in ClinVar:

NM_004565.3(PEX14):c.345C>G (p.Ile115Met)

Gene: PEX14 (peroxisomal biogenesis factor 14; plus strand). Cytogenetic location: 1p36.22.
Variant type: single nucleotide variant.
Coding change: c.345C>G on transcript NM_004565.3 (MANE Select); coding-DNA position 345, C replaced by G.
Protein change: p.Ile115Met; replaces isoleucine 115 with methionine.
Molecular consequence: missense variant.
Genome position (GRCh38, 1-based): chr1:10,618,378, C>G. VCF-style: chr1-10618378-C-G. GRCh37 (hg19) VCF-style: chr1-10678435-C-G.
Other names: short protein forms I115M.
Identifiers: ClinVar variation 2098025 (VCV002098025.4), dbSNP rs1641491330, ClinGen allele CA338331061.

ClinVar aggregate classification (germline): Uncertain significance (1 of 4 stars; one submission).

Conditions:
Peroxisome biogenesis disorder, complementation group K (CGK). Identifiers: MedGen C1866257, MONDO:0800365.

Submission:

Labcorp Genetics (formerly Invitae), Labcorp
Classification: Uncertain significance for Peroxisome biogenesis disorder, complementation group K. Last evaluated: 2022-05-21. Review status: criteria provided, single submitter. Criteria: Invitae Variant Classification Sherloc (09022015). Collection method: clinical testing. Allele origin: germline.
Comment: In summary, the available evidence is currently insufficient to determine the role of this variant in disease. Therefore, it has been classified as a Variant of Uncertain Significance. Algorithms developed to predict the effect of missense changes on protein structure and function are either unavailable or do not agree on the potential impact of this missense change (SIFT: "Deleterious"; PolyPhen-2: "Probably Damaging"; Align-GVGD: "Class C0"). This missense change has been observed in individual(s) with clinical features of PEX14-related conditions (PMID: 33547378). This variant is not present in population databases (gnomAD no frequency). This sequence change replaces isoleucine, which is neutral and non-polar, with methionine, which is neutral and non-polar, at codon 115 of the PEX14 protein (p.Ile115Met).

Literature cited by the submitters: PubMed 33547378.